The following is an entry in ClinVar:

ClinVar aggregate classification (germline): Uncertain significance (1 of 4 stars; one submission).

Conditions:
Hereditary cancer-predisposing syndrome. Also called: Neoplastic Syndromes, Hereditary; Tumor predisposition; Hereditary Cancer Syndrome; Hereditary neoplastic syndrome. Identifiers: Orphanet 140162, MedGen C0027672, MeSH D009386, MONDO:0015356.

Submission:

Ambry Genetics
Classification: Uncertain significance for Hereditary cancer-predisposing syndrome. Last evaluated: 2024-09-22. Review status: criteria provided, single submitter. Criteria: Ambry Variant Classification Scheme 2023. Collection method: clinical testing. Allele origin: germline.
Comment: The p.C1398G variant (also known as c.4192T>G), located in coding exon 23 of the PTCH1 gene, results from a T to G substitution at nucleotide position 4192. The cysteine at codon 1398 is replaced by glycine, an amino acid with highly dissimilar properties. This amino acid position is conserved. In addition, this alteration is predicted to be tolerated by in silico analysis. Based on the available evidence, the clinical significance of this variant remains unclear.

NM_000264.5(PTCH1):c.4192T>G (p.Cys1398Gly)

Gene: PTCH1 (patched 1; minus strand). Cytogenetic location: 9q22.32.
Variant type: single nucleotide variant.
Coding change: c.4192T>G on transcript NM_000264.5 (MANE Select); coding-DNA position 4192, T replaced by G.
Protein change: p.Cys1398Gly; replaces cysteine 1398 with glycine.
Molecular consequence: missense variant. On other transcripts: non-coding transcript variant (1).
Genome position (GRCh38, 1-based): chr9:95,447,064, A>C on the plus strand (T>G on the coding strand, the complement: PTCH1 is on the minus strand). VCF-style: chr9-95447064-A-C. GRCh37 (hg19) VCF-style: chr9-98209346-A-C.
Other names: c.3994T>G, p.Cys1332Gly (NM_001083602.3); c.4189T>G, p.Cys1397Gly (NM_001083603.3); c.3739T>G, p.Cys1247Gly (NM_001083604.3, NM_001083605.3, NM_001083606.3 and 1 more transcripts); c.4036T>G, p.Cys1346Gly (NM_001354918.2); short protein forms C1398G, C1247G, C1332G, C1397G, C1346G.
Identifiers: ClinVar variation 3427287 (VCV003427287.1).